The following is an entry in ClinVar:

NM_020754.4(ARHGAP31):c.3247G>A (p.Glu1083Lys)

Gene: ARHGAP31 (Rho GTPase activating protein 31; plus strand). Cytogenetic location: 3q13.33.
Variant type: single nucleotide variant.
Coding change: c.3247G>A on transcript NM_020754.4 (MANE Select); coding-DNA position 3247, G replaced by A.
Protein change: p.Glu1083Lys; replaces glutamic acid 1083 with lysine.
Molecular consequence: missense variant.
Genome position (GRCh38, 1-based): chr3:119,415,176, G>A. VCF-style: chr3-119415176-G-A. GRCh37 (hg19) VCF-style: chr3-119134023-G-A.
Other names: short protein forms E1083K.
Identifiers: ClinVar variation 1339129 (VCV001339129.2), dbSNP rs2107647546, ClinGen allele CA354057275.

ClinVar aggregate classification (germline): Uncertain significance (1 of 4 stars; one submission).

Conditions:
Adams-Oliver syndrome 1 (AOS1). Also called: APLASIA CUTIS CONGENITA WITH TERMINAL TRANSVERSE LIMB DEFECTS; ABSENCE DEFECT OF LIMBS, SCALP, AND SKULL; CONGENITAL SCALP DEFECTS WITH DISTAL LIMB REDUCTION ANOMALIES. Identifiers: Orphanet 974, MedGen C4551482, MONDO:0024506, OMIM 100300.

Submission:

Neuberg Centre For Genomic Medicine, NCGM
Classification: Uncertain significance for Adams-Oliver syndrome 1. Review status: criteria provided, single submitter. Criteria: ACMG Guidelines, 2015. Collection method: clinical testing. Allele origin: germline. Affected: yes.
Comment: The missense variant p.E1083K in ARHGAP31 (NM_020754.4) has not been reported previously as a pathogenic variant nor as a benign variant, to our knowledge. The p.E1083K variant is novel (not in any individuals) in gnomAD Exomes and is novel (not in any individuals) in 1000 Genomes. The p.E1083K missense variant is predicted to be damaging by both SIFT and PolyPhen2. The nucleotide c.3247 in ARHGAP31 is predicted conserved by GERP++ and PhyloP across 100 vertebrates. Loss of function variants have been mainly reported in ARHGAP31 mutations and hence the above variant has been classified as Uncertain Significance.